The following is an entry in ClinVar:

ClinVar aggregate classification (germline): Benign/Likely benign. Review status: criteria provided, multiple submitters, no conflicts (2 of 4 stars). 9 submissions from 8 submitters: Benign (4); Likely benign (5). Last evaluated 2026-09-01.

Conditions:
Adams-Oliver syndrome 5 (AOS5). Identifiers: Orphanet 974, MedGen C4014970, MONDO:0014459, OMIM 616028.
Familial thoracic aortic aneurysm and aortic dissection (TAAD). Also called: Thoracic aortic aneurysms and dissections. Identifiers: Orphanet 91387, MedGen C4707243, MONDO:0019625.
Aortic valve disease 1 (AOVD1). Identifiers: MedGen C3887892, MONDO:0024523, OMIM 109730.

Allele frequency attached by ClinVar (database versions not stated): gnomAD exomes 0.00009 and 0.00020; ExAC 0.00021; 1000 Genomes Project 30x 0.00062; gnomAD 0.00068 and 0.00069; 1000 Genomes Project 0.00080; TOPMed 0.00094; ESP Exome Variant Server 0.00119.
gnomAD v4.1: 247 of 1,610,014 alleles (0.015%); highest among the groups gnomAD compares: African/African-American, 0.25%; 1 homozygote.

Submissions (9):

CeGaT Center for Human Genetics Tuebingen
Classification: Likely benign. Last evaluated: 2026-09-01. Review status: criteria provided, single submitter. Criteria: CeGaT Center For Human Genetics Tuebingen Variant Classification Criteria Version 2. Collection method: clinical testing. Allele origin: germline. Affected: yes. Observed: 1 variant allele.
Comment: NOTCH1: BP4, BP7

Labcorp Genetics (formerly Invitae), Labcorp
Classification: Benign for Adams-Oliver syndrome 5. Last evaluated: 2026-01-06. Review status: criteria provided, single submitter. Criteria: Invitae Variant Classification Sherloc (09022015). Collection method: clinical testing. Allele origin: germline.

Women's Health and Genetics/Laboratory Corporation of America, LabCorp
Classification: Benign. Last evaluated: 2025-05-15. Review status: criteria provided, single submitter. Criteria: LabCorp Variant Classification Summary - May 2015. Collection method: clinical testing. Allele origin: germline.

Blueprint Genetics
Classification: Likely benign. Last evaluated: 2024-02-16. Review status: criteria provided, single submitter. Criteria: ACMG Guidelines, 2015. Collection method: clinical testing. Allele origin: germline.

Genome-Nilou Lab
Classification: Benign for Adams-Oliver syndrome 5. Last evaluated: 2022-03-15. Review status: criteria provided, single submitter. Criteria: ACMG Guidelines, 2015. Collection method: clinical testing. Allele origin: germline. Affected: no.

Genome-Nilou Lab
Classification: Benign for Aortic valve disease 1. Last evaluated: 2022-03-15. Review status: criteria provided, single submitter. Criteria: ACMG Guidelines, 2015. Collection method: clinical testing. Allele origin: germline. Affected: no.

GeneDx
Classification: Likely benign. Last evaluated: 2020-02-10. Review status: criteria provided, single submitter. Criteria: GeneDx Variant Classification Process June 2021. Collection method: clinical testing. Allele origin: germline. Affected: yes.

Ambry Genetics
Classification: Likely benign for Familial thoracic aortic aneurysm and aortic dissection. Last evaluated: 2018-01-04. Review status: criteria provided, single submitter. Criteria: Ambry Variant Classification Scheme 2023. Collection method: clinical testing. Allele origin: germline.

Breakthrough Genomics
Classification: Likely benign. Review status: criteria provided, single submitter. Criteria: ACMG Guidelines, 2015. Collection method: not provided. Allele origin: germline. Inheritance: Autosomal dominant inheritance. Affected: yes.

Literature cited by the submitters: PubMed 24943832 (cited by Women's Health and Genetics/Laboratory Corporation of America, LabCorp); PubMed 16614245 (cited by Women's Health and Genetics/Laboratory Corporation of America, LabCorp); PubMed 21670202 (cited by Women's Health and Genetics/Laboratory Corporation of America, LabCorp); PubMed 22210878 (cited by Women's Health and Genetics/Laboratory Corporation of America, LabCorp); PubMed 19635999 (cited by Women's Health and Genetics/Laboratory Corporation of America, LabCorp); PubMed 26837699 (cited by Women's Health and Genetics/Laboratory Corporation of America, LabCorp); PubMed 23086750 (cited by Women's Health and Genetics/Laboratory Corporation of America, LabCorp); PubMed 19245433 (cited by Women's Health and Genetics/Laboratory Corporation of America, LabCorp); PubMed 22077063 (cited by Women's Health and Genetics/Laboratory Corporation of America, LabCorp); PubMed 15472075 (cited by Women's Health and Genetics/Laboratory Corporation of America, LabCorp); PubMed 23734977 (cited by Women's Health and Genetics/Laboratory Corporation of America, LabCorp); PubMed 22858860 (cited by Women's Health and Genetics/Laboratory Corporation of America, LabCorp).

NM_017617.5(NOTCH1):c.3384G>A (p.Thr1128=)

Gene: NOTCH1 (notch receptor 1; minus strand). Cytogenetic location: 9q34.3.
Variant type: single nucleotide variant.
Coding change: c.3384G>A on transcript NM_017617.5 (MANE Select); coding-DNA position 3384, G replaced by A.
Protein change: p.Thr1128=; no amino-acid change (threonine 1128 retained).
Molecular consequence: synonymous variant.
Genome position (GRCh38, 1-based): chr9:136,508,081, C>T on the plus strand (G>A on the coding strand, the complement: NOTCH1 is on the minus strand). VCF-style: chr9-136508081-C-T. GRCh37 (hg19) VCF-style: chr9-139402533-C-T.
Other names: c.3384G>A, p.Thr1128= (LRG_1122t1).
Identifiers: ClinVar variation 415386 (VCV000415386.22), dbSNP rs200608278, ClinGen allele CA5340939.